The following is an entry in ClinVar:

ClinVar aggregate classification (germline): Uncertain significance (1 of 4 stars; one submission).

Submission:

Ambry Genetics
Classification: Uncertain significance. Last evaluated: 2026-01-25. Review status: criteria provided, single submitter. Criteria: Ambry Variant Classification Scheme 2023. Collection method: clinical testing. Allele origin: germline.
Comment: The p.M160I variant (also known as c.480G>A), located in coding exon 5 of the SLMAP gene, results from a G to A substitution at nucleotide position 480. The methionine at codon 160 is replaced by isoleucine, an amino acid with highly similar properties. This amino acid position is conserved. In addition, the in silico prediction for this alteration is inconclusive. Based on the available evidence, the clinical significance of this variant remains unclear.

NM_001377540.1(SLMAP):c.480G>A (p.Met160Ile)

Gene: SLMAP (sarcolemma associated protein; plus strand). Cytogenetic location: 3p14.3.
Variant type: single nucleotide variant.
Coding change: c.480G>A on transcript NM_001377540.1 (MANE Select); coding-DNA position 480, G replaced by A.
Protein change: p.Met160Ile; replaces methionine 160 with isoleucine.
Molecular consequence: missense variant. On other transcripts: non-coding transcript variant (1).
Genome position (GRCh38, 1-based): chr3:57,849,777, G>A. VCF-style: chr3-57849777-G-A. GRCh37 (hg19) VCF-style: chr3-57835504-G-A.
Other names: c.480G>A, p.Met160Ile (NM_001377552.1, NM_001377555.1, NM_001377557.1 and 17 more transcripts); short protein forms M160I.
Identifiers: ClinVar variation 4844306 (VCV004844306.1).